The following is an entry in ClinVar:

ClinVar aggregate classification (germline): Uncertain significance (1 of 4 stars; one submission).

Conditions:
Joubert syndrome. Also called: CEREBELLOPARENCHYMAL DISORDER IV; JOUBERT-BOLTSHAUSER SYNDROME; Familial aplasia of the vermis. Identifiers: Orphanet 475, MedGen C5979921, MONDO:0018772.
Nephronophthisis. Also called: Juvenile Nephronophthisis. Identifiers: Orphanet 655, MedGen C0687120, MONDO:0019005, HP:0000090.
Meckel-Gruber syndrome. Also called: DYSENCEPHALIA SPLANCHNOCYSTICA; GRUBER SYNDROME; Dysencephalia splachnocystica. Identifiers: Orphanet 564, MedGen C0265215, MONDO:0018921.

Submission:

Labcorp Genetics (formerly Invitae), Labcorp
Classification: Uncertain significance for Joubert syndrome; Meckel-Gruber syndrome; Nephronophthisis. Last evaluated: 2022-10-21. Review status: criteria provided, single submitter. Criteria: Invitae Variant Classification Sherloc (09022015). Collection method: clinical testing. Allele origin: germline.
Comment: This sequence change replaces serine, which is neutral and polar, with leucine, which is neutral and non-polar, at codon 756 of the CEP290 protein (p.Ser756Leu). The frequency data for this variant in the population databases is considered unreliable, as metrics indicate poor data quality at this position in the gnomAD database. This variant has not been reported in the literature in individuals affected with CEP290-related conditions. ClinVar contains an entry for this variant (Variation ID: 884187). Experimental studies and prediction algorithms are not available or were not evaluated, and the functional significance of this variant is currently unknown. In summary, the available evidence is currently insufficient to determine the role of this variant in disease. Therefore, it has been classified as a Variant of Uncertain Significance.

NM_025114.4(CEP290):c.2267_2268inv (p.Ser756Leu)

Gene: CEP290 (centrosomal protein 290; minus strand). Cytogenetic location: 12q21.32.
Variant type: Inversion.
Coding change: c.2267_2268inv on transcript NM_025114.4 (MANE Select).
Protein change: p.Ser756Leu; replaces serine 756 with leucine.
Molecular consequence: missense variant.
Genome position: GRCh38 VCF-style: chr12-88111301-TG-CA. GRCh37 (hg19) VCF-style: chr12-88505078-TG-CA.
Other names: short protein forms S756L.
Identifiers: ClinVar variation 2086365 (VCV002086365.1), ClinGen allele CA2580086714.